The following is an entry in ClinVar:

ClinVar aggregate classification (germline): Uncertain significance (1 of 4 stars; one submission).

Conditions:
Oligodontia-cancer predisposition syndrome. Also called: TOOTH AGENESIS-COLORECTAL CANCER SYNDROME. Identifiers: Orphanet 300576, MedGen C1837750, MONDO:0012075, OMIM 608615. Disease mechanism: loss of function.

Submission:

Labcorp Genetics (formerly Invitae), Labcorp
Classification: Uncertain significance for Oligodontia-cancer predisposition syndrome. Last evaluated: 2023-11-27. Review status: criteria provided, single submitter. Criteria: Invitae Variant Classification Sherloc (09022015). Collection method: clinical testing. Allele origin: germline.
Comment: This sequence change replaces aspartic acid, which is acidic and polar, with glutamic acid, which is acidic and polar, at codon 194 of the AXIN2 protein (p.Asp194Glu). This variant is not present in population databases (gnomAD no frequency). This variant has not been reported in the literature in individuals affected with AXIN2-related conditions. ClinVar contains an entry for this variant (Variation ID: 1721694). Advanced modeling of protein sequence and biophysical properties (such as structural, functional, and spatial information, amino acid conservation, physicochemical variation, residue mobility, and thermodynamic stability) performed at Invitae indicates that this missense variant is not expected to disrupt AXIN2 protein function with a negative predictive value of 80%. In summary, the available evidence is currently insufficient to determine the role of this variant in disease. Therefore, it has been classified as a Variant of Uncertain Significance.

NM_004655.4(AXIN2):c.582T>A (p.Asp194Glu)

Gene: AXIN2 (axin 2; minus strand). Cytogenetic location: 17q24.1.
Variant type: single nucleotide variant.
Coding change: c.582T>A on transcript NM_004655.4 (MANE Select); coding-DNA position 582, T replaced by A.
Protein change: p.Asp194Glu; replaces aspartic acid 194 with glutamic acid.
Molecular consequence: missense variant.
Genome position (GRCh38, 1-based): chr17:65,558,039, A>T on the plus strand (T>A on the coding strand, the complement: AXIN2 is on the minus strand). VCF-style: chr17-65558039-A-T. GRCh37 (hg19) VCF-style: chr17-63554157-A-T.
Other names: c.582T>A, p.Asp194Glu (NM_001363813.1); short protein forms D194E.
Identifiers: ClinVar variation 1721694 (VCV001721694.5), dbSNP rs2544249281, ClinGen allele CA400680798.